The following is an entry in ClinVar:

ClinVar aggregate classification (germline): Uncertain significance (1 of 4 stars; one submission).

Conditions:
Hereditary cancer-predisposing syndrome. Also called: Hereditary neoplastic syndrome; Hereditary Cancer Syndrome; Neoplastic Syndromes, Hereditary; Tumor predisposition. Identifiers: Orphanet 140162, MedGen C0027672, MeSH D009386, MONDO:0015356.

Submission:

Ambry Genetics
Classification: Uncertain significance for Hereditary cancer-predisposing syndrome. Last evaluated: 2023-06-10. Review status: criteria provided, single submitter. Criteria: Ambry Variant Classification Scheme 2023. Collection method: clinical testing. Allele origin: germline.
Comment: The p.V400F variant (also known as c.1198G>T), located in coding exon 6 of the RET gene, results from a G to T substitution at nucleotide position 1198. The valine at codon 400 is replaced by phenylalanine, an amino acid with highly similar properties. This amino acid position is conserved. In addition, the in silico prediction for this alteration is inconclusive. Since supporting evidence is limited at this time, the clinical significance of this alteration remains unclear.

NM_020975.6(RET):c.1198G>T (p.Val400Phe)

Gene: RET (ret proto-oncogene; plus strand). Cytogenetic location: 10q11.21.
Variant type: single nucleotide variant.
Coding change: c.1198G>T on transcript NM_020975.6 (MANE Select); coding-DNA position 1198, G replaced by T.
Protein change: p.Val400Phe; replaces valine 400 with phenylalanine.
Molecular consequence: missense variant. On other transcripts: intron variant (18).
Genome position (GRCh38, 1-based): chr10:43,109,165, G>T. VCF-style: chr10-43109165-G-T. GRCh37 (hg19) VCF-style: chr10-43604613-G-T.
Other names: c.1198G>T, p.Val400Phe (NM_000323.2, NM_001406743.1, NM_001406744.1 and 6 more transcripts); c.436G>T, p.Val146Phe (NM_001355216.2); c.1069G>T, p.Val357Phe (NM_001406761.1, NM_001406762.1, NM_001406764.1 and 1 more transcripts); c.910G>T, p.Val304Phe (NM_001406766.1, NM_001406767.1, NM_001406770.1); c.760G>T, p.Val254Phe (NM_001406771.1, NM_001406773.1); c.472G>T, p.Val158Phe (NM_001406775.1, NM_001406776.1, NM_001406777.1 and 1 more transcripts); c.208G>T, p.Val70Phe (NM_001406784.1); c.868-2042G>T (NM_001406772.1, NM_001406769.1); and 5 more; short protein forms V146F, V304F, V357F, V158F, V254F, V400F, V70F.
Identifiers: ClinVar variation 2568382 (VCV002568382.2), dbSNP rs2132745910, ClinGen allele CA376547757.